The following is an entry in ClinVar:

NM_004364.5(CEBPA):c.379C>T (p.Pro127Ser)

Gene: CEBPA (CCAAT enhancer binding protein alpha; minus strand). Cytogenetic location: 19q13.11.
Variant type: single nucleotide variant.
Coding change: c.379C>T on transcript NM_004364.5 (MANE Select); coding-DNA position 379, C replaced by T.
Protein change: p.Pro127Ser; replaces proline 127 with serine.
Molecular consequence: missense variant.
Genome position (GRCh38, 1-based): chr19:33,302,036, G>A on the plus strand (C>T on the coding strand, the complement: CEBPA is on the minus strand). VCF-style: chr19-33302036-G-A. GRCh37 (hg19) VCF-style: chr19-33792942-G-A.
Other names: c.22C>T, p.Pro8Ser (NM_001285829.2); c.484C>T, p.Pro162Ser (NM_001287424.2); c.337C>T, p.Pro113Ser (NM_001287435.2); c.379C>T (NM_004364.3); short protein forms P162S, P127S, P113S, P8S.
Identifiers: ClinVar variation 657646 (VCV000657646.10), dbSNP rs1055210725, ClinGen allele CA405275075.

ClinVar aggregate classification (germline): Conflicting classifications of pathogenicity. Review status: criteria provided, conflicting classifications (1 of 4 stars). 2 submissions from 2 submitters: Uncertain significance (1); Likely benign (1). Last evaluated 2024-12-11.

Conditions:
Acute myeloid leukemia (AML). Also called: Acute myeloid leukemia, adult; AML adult; Acute non-lymphocytic leukemia; Acute granulocytic leukemia; Leukemia, acute myeloid, somatic; Leukemia, acute myelogenous, somatic. Identifiers: Orphanet 519, MedGen C0023467, MeSH D015470, MONDO:0018874, OMIM 601626, HP:0004808. Disease mechanism: Constitutively activated FLT3.
Inborn genetic diseases. Identifiers: MedGen C0950123, MeSH D030342.

Allele frequency attached by ClinVar (database versions not stated): TOPMed 0.00002; 1000 Genomes Project 30x 0.00016.

Submissions (2):

Ambry Genetics
Classification: Likely benign for Inborn genetic diseases. Last evaluated: 2024-12-11. Review status: criteria provided, single submitter. Criteria: Ambry Variant Classification Scheme 2023. Collection method: clinical testing. Allele origin: germline.

Labcorp Genetics (formerly Invitae), Labcorp
Classification: Uncertain significance for Acute myeloid leukemia. Last evaluated: 2024-03-23. Review status: criteria provided, single submitter. Criteria: Invitae Variant Classification Sherloc (09022015). Collection method: clinical testing. Allele origin: germline.
Comment: This sequence change replaces proline, which is neutral and non-polar, with serine, which is neutral and polar, at codon 127 of the CEBPA protein (p.Pro127Ser). The frequency data for this variant in the population databases is considered unreliable, as metrics indicate insufficient coverage at this position in the gnomAD database. This variant has not been reported in the literature in individuals affected with CEBPA-related conditions. ClinVar contains an entry for this variant (Variation ID: 657646). Advanced modeling of protein sequence and biophysical properties (such as structural, functional, and spatial information, amino acid conservation, physicochemical variation, residue mobility, and thermodynamic stability) performed at Invitae indicates that this missense variant is not expected to disrupt CEBPA protein function with a negative predictive value of 80%. In summary, the available evidence is currently insufficient to determine the role of this variant in disease. Therefore, it has been classified as a Variant of Uncertain Significance.